The following is an entry in ClinVar:

NM_139285.4(GAS2L2):c.2277_2279del (p.Arg760del)

Gene: GAS2L2 (growth arrest specific 2 like 2; minus strand). Cytogenetic location: 17q12.
Variant type: Deletion.
Coding change: c.2277_2279del on transcript NM_139285.4 (MANE Select); coding-DNA positions 2277 to 2279, 3 bases deleted (GAG; older notation c.2277_2279delGAG).
Protein change: p.Arg760del; deletes arginine 760.
Molecular consequence: inframe deletion.
Genome position (GRCh38, 1-based): chr17:35,745,218-35,745,220, CTC deleted on the plus strand (GAG on the coding strand, the reverse complement: GAS2L2 is on the minus strand); deleting any 3 consecutive bases within chr17:35,745,218-35,745,222 gives the same sequence; the c. name uses the placement nearest the transcript's 3' end. VCF-style (leftmost placement, unchanged base first): chr17-35745217-TCTC-T. GRCh37 (hg19) VCF-style: chr17-34072236-TCTC-T.
Other names: c.2277_2279delGAG (NM_139285.3); short protein forms R760del.
Identifiers: ClinVar variation 2647671 (VCV002647671.26), dbSNP rs587619929, ClinGen allele CA8505889.

ClinVar aggregate classification (germline): Likely benign. Review status: criteria provided, multiple submitters, no conflicts (2 of 4 stars). 3 submissions from 3 submitters: Likely benign (2). 1 of the submissions does not count toward it. Last evaluated 2024-10-15.

Conditions:
GAS2L2-related disorder. Also called: GAS2L2-related condition.

Submissions (3):

Blueprint Genetics
Classification: Likely benign. Last evaluated: 2024-10-15. Review status: criteria provided, single submitter. Criteria: ACMG Guidelines, 2015. Collection method: clinical testing. Allele origin: germline.

CeGaT Center for Human Genetics Tuebingen
Classification: Likely benign. Last evaluated: 2023-02-01. Review status: criteria provided, single submitter. Criteria: CeGaT Center For Human Genetics Tuebingen Variant Classification Criteria Version 2. Collection method: clinical testing. Allele origin: germline. Affected: yes. Observed: 1 variant allele.
Comment: GAS2L2: BS2

PreventionGenetics, part of Exact Sciences
Classification: Benign for GAS2L2-related condition. Last evaluated: 2019-12-26. Review status: no assertion criteria provided. Collection method: clinical testing. Allele origin: germline. Not counted in ClinVar's aggregate classification.
Comment: This variant is classified as benign based on ACMG/AMP sequence variant interpretation guidelines (Richards et al. 2015 PMID: 25741868, with internal and published modifications).